The following is an entry in ClinVar:

NM_000051.4(ATM):c.493T>A (p.Leu165Ile)

Gene: ATM (ATM serine/threonine kinase; plus strand). Cytogenetic location: 11q22.3.
Variant type: single nucleotide variant.
Coding change: c.493T>A on transcript NM_000051.4 (MANE Select); coding-DNA position 493, T replaced by A.
Protein change: p.Leu165Ile; replaces leucine 165 with isoleucine.
Molecular consequence: missense variant.
Genome position (GRCh38, 1-based): chr11:108,235,831, T>A. VCF-style: chr11-108235831-T-A. GRCh37 (hg19) VCF-style: chr11-108106558-T-A.
Other names: c.493T>A, p.Leu165Ile (NM_001351834.2); short protein forms L165I.
Identifiers: ClinVar variation 864768 (VCV000864768.9), dbSNP rs878853514, ClinGen allele CA382525762.

ClinVar aggregate classification (germline): Uncertain significance (1 of 4 stars; one submission).

Conditions:
Ataxia-telangiectasia syndrome (AT). Also called: LOUIS-BAR SYNDROME; Ataxia telangiectasia (A-T); Ataxia-telangiectasia, complementation group D; Cerebello-oculocutaneous telangiectasia; Immunodeficiency with ataxia telangiectasia; Ataxia-telangiectasia. Identifiers: Orphanet 100, MedGen C0004135, MONDO:0008840, OMIM 208900.

Submission:

Labcorp Genetics (formerly Invitae), Labcorp
Classification: Uncertain significance for Ataxia-telangiectasia syndrome. Last evaluated: 2019-01-26. Review status: criteria provided, single submitter. Criteria: Invitae Variant Classification Sherloc (09022015). Collection method: clinical testing. Allele origin: germline.
Comment: In summary, the available evidence is currently insufficient to determine the role of this variant in disease. Therefore, it has been classified as a Variant of Uncertain Significance. Algorithms developed to predict the effect of missense changes on protein structure and function (SIFT, PolyPhen-2, Align-GVGD) all suggest that this variant is likely to be tolerated, but these predictions have not been confirmed by published functional studies and their clinical significance is uncertain. This variant has not been reported in the literature in individuals with ATM-related conditions. This variant is not present in population databases (ExAC no frequency). This sequence change replaces leucine with isoleucine at codon 165 of the ATM protein (p.Leu165Ile). The leucine residue is weakly conserved and there is a small physicochemical difference between leucine and isoleucine.